The following is an entry in ClinVar:

ClinVar aggregate classification (germline): Uncertain significance (1 of 4 stars; one submission).

Conditions:
Deficiency of butyryl-CoA dehydrogenase (ACADSD). Also called: SCAD DEFICIENCY, MILD; ACYL-CoA DEHYDROGENASE, SHORT-CHAIN, DEFICIENCY OF; Short-Chain Acyl-CoA Dehydrogenase Deficiency; SCAD Deficiency; SCADH DEFICIENCY; ACADS DEFICIENCY. Identifiers: Orphanet 26792, MedGen C0342783, MONDO:0008722, OMIM 201470. Disease mechanism: May be benign.

Submission:

Labcorp Genetics (formerly Invitae), Labcorp
Classification: Uncertain significance for Deficiency of butyryl-CoA dehydrogenase. Last evaluated: 2025-01-22. Review status: criteria provided, single submitter. Criteria: Invitae Variant Classification Sherloc (09022015). Collection method: clinical testing. Allele origin: germline.
Comment: This sequence change replaces histidine, which is basic and polar, with arginine, which is basic and polar, at codon 64 of the ACADS protein (p.His64Arg). This variant is not present in population databases (gnomAD no frequency). This variant has not been reported in the literature in individuals affected with ACADS-related conditions. Invitae Evidence Modeling of protein sequence and biophysical properties (such as structural, functional, and spatial information, amino acid conservation, physicochemical variation, residue mobility, and thermodynamic stability) has been performed for this missense variant. However, the output from this modeling did not meet the statistical confidence thresholds required to predict the impact of this variant on ACADS protein function. In summary, the available evidence is currently insufficient to determine the role of this variant in disease. Therefore, it has been classified as a Variant of Uncertain Significance.

NM_000017.4(ACADS):c.191A>G (p.His64Arg)

Gene: ACADS (acyl-CoA dehydrogenase short chain; plus strand). Cytogenetic location: 12q24.31.
Variant type: single nucleotide variant.
Coding change: c.191A>G on transcript NM_000017.4 (MANE Select); coding-DNA position 191, A replaced by G.
Protein change: p.His64Arg; replaces histidine 64 with arginine.
Molecular consequence: missense variant.
Genome position (GRCh38, 1-based): chr12:120,727,170, A>G. VCF-style: chr12-120727170-A-G. GRCh37 (hg19) VCF-style: chr12-121164973-A-G.
Other names: c.191A>G, p.His64Arg (NM_001302554.2); short protein forms H64R.
Identifiers: ClinVar variation 3713991 (VCV003713991.2).